The following is an entry in ClinVar:

NM_021927.3(GUF1):c.1231G>C (p.Glu411Gln)

Gene: GUF1 (GTP binding elongation factor GUF1; plus strand). Cytogenetic location: 4p12.
Variant type: single nucleotide variant.
Coding change: c.1231G>C on transcript NM_021927.3 (MANE Select); coding-DNA position 1231, G replaced by C.
Protein change: p.Glu411Gln; replaces glutamic acid 411 with glutamine.
Molecular consequence: missense variant.
Genome position (GRCh38, 1-based): chr4:44,689,871, G>C. VCF-style: chr4-44689871-G-C. GRCh37 (hg19) VCF-style: chr4-44691888-G-C.
Other names: c.259G>C, p.Glu87Gln (NM_001345867.2, NM_001345869.2); c.1231G>C, p.Glu411Gln (NM_001345868.2); short protein forms E411Q, E87Q.
Identifiers: ClinVar variation 2995760 (VCV002995760.3), dbSNP rs891757435, ClinGen allele CA96522251.
Genomic context (GRCh38, chr4:44,689,871, plus strand): 5'-AACATTTTGGAGTTTGTCTTTTCCTCCCCCAGGCTAGGATTTCTTGGACTTTTGCACATG[G>C]AAGTTTTCAACCAGCGACTGGAGCAAGAATATAATGCTTCTGTTATTTTAACAACCCCTA-3'
Protein context (NP_068746.2, residues 401-421): RLGFLGLLHM[Glu411Gln]VFNQRLEQEY

ClinVar aggregate classification (germline): Uncertain significance (1 of 4 stars; one submission).

Allele frequency attached by ClinVar (database versions not stated): gnomAD exomes below 0.00001; TOPMed 0.00002.
gnomAD v4.1: 2 of 1,604,502 alleles (0.00012%); highest among the groups gnomAD compares: African/African-American, 0.0027%; no homozygotes.

Submission:

Labcorp Genetics (formerly Invitae), Labcorp
Classification: Uncertain significance. Last evaluated: 2023-04-12. Review status: criteria provided, single submitter. Criteria: Invitae Variant Classification Sherloc (09022015). Collection method: clinical testing. Allele origin: germline.
Comment: In summary, the available evidence is currently insufficient to determine the role of this variant in disease. Therefore, it has been classified as a Variant of Uncertain Significance. Advanced modeling of protein sequence and biophysical properties (such as structural, functional, and spatial information, amino acid conservation, physicochemical variation, residue mobility, and thermodynamic stability) performed at Invitae indicates that this missense variant is not expected to disrupt GUF1 protein function. This variant has not been reported in the literature in individuals affected with GUF1-related conditions. This variant is present in population databases (no rsID available, gnomAD 0.007%). This sequence change replaces glutamic acid, which is acidic and polar, with glutamine, which is neutral and polar, at codon 411 of the GUF1 protein (p.Glu411Gln).